The following is an entry in ClinVar:

NM_003384.3(VRK1):c.418A>G (p.Lys140Glu)

Gene: VRK1 (VRK serine/threonine kinase 1; plus strand). Cytogenetic location: 14q32.2.
Variant type: single nucleotide variant.
Coding change: c.418A>G on transcript NM_003384.3 (MANE Select); coding-DNA position 418, A replaced by G.
Protein change: p.Lys140Glu; replaces lysine 140 with glutamic acid.
Molecular consequence: missense variant.
Genome position (GRCh38, 1-based): chr14:96,852,874, A>G. VCF-style: chr14-96852874-A-G. GRCh37 (hg19) VCF-style: chr14-97319211-A-G.
Other names: short protein forms K140E.
Identifiers: ClinVar variation 641045 (VCV000641045.11), dbSNP rs764788560, ClinGen allele CA7338971.

ClinVar aggregate classification (germline): Uncertain significance. Review status: criteria provided, multiple submitters, no conflicts (2 of 4 stars). 4 submissions from 4 submitters: Uncertain significance (3). 1 of the submissions does not count toward it. Last evaluated 2024-03-06.

Conditions:
Pontocerebellar hypoplasia type 1A (PCH1A). Also called: PONTOCEREBELLAR HYPOPLASIA WITH ANTERIOR HORN CELL DISEASE; PONTOCEREBELLAR HYPOPLASIA WITH INFANTILE SPINAL MUSCULAR ATROPHY. Identifiers: Orphanet 2254, Orphanet 88616, MedGen C1843504, MONDO:0011866, OMIM 607596.

Allele frequency attached by ClinVar (database versions not stated): gnomAD below 0.00001 and 0.00003; ExAC 0.00003; gnomAD exomes 0.00003 and 0.00004.
gnomAD v4.1: 42 of 1,613,898 alleles (0.0026%); highest among the groups gnomAD compares: South Asian, 0.042%; 2 homozygotes.

Submissions (4):

Women's Health and Genetics/Laboratory Corporation of America, LabCorp
Classification: Uncertain significance. Last evaluated: 2024-03-06. Review status: criteria provided, single submitter. Criteria: LabCorp Variant Classification Summary - May 2015. Collection method: clinical testing. Allele origin: germline.
Comment: Variant summary: VRK1 c.418A>G (p.Lys140Glu) results in a conservative amino acid change located in the Protein kinase domain (IPR000719) of the encoded protein sequence. Three of five in-silico tools predict a damaging effect of the variant on protein function. The variant allele was found at a frequency of 4.4e-05 in 250988 control chromosomes. This frequency is not significantly higher than estimated for a pathogenic variant in VRK1 causing Pontocerebellar Hypoplasia, Type 1A (4.4e-05 vs 0.0011), allowing no conclusion about variant significance. To our knowledge, no occurrence of c.418A>G in individuals affected with Pontocerebellar Hypoplasia, Type 1A and no experimental evidence demonstrating its impact on protein function have been reported. ClinVar contains an entry for this variant (Variation ID: 641045). Based on the evidence outlined above, the variant was classified as uncertain significance.

Labcorp Genetics (formerly Invitae), Labcorp
Classification: Uncertain significance for Pontocerebellar hypoplasia type 1A. Last evaluated: 2022-02-05. Review status: criteria provided, single submitter. Criteria: Invitae Variant Classification Sherloc (09022015). Collection method: clinical testing. Allele origin: germline.
Comment: This sequence change replaces lysine, which is basic and polar, with glutamic acid, which is acidic and polar, at codon 140 of the VRK1 protein (p.Lys140Glu). This variant is present in population databases (rs764788560, gnomAD 0.04%). This variant has not been reported in the literature in individuals affected with VRK1-related conditions. ClinVar contains an entry for this variant (Variation ID: 641045). Algorithms developed to predict the effect of missense changes on protein structure and function (SIFT, PolyPhen-2, Align-GVGD) all suggest that this variant is likely to be tolerated. In summary, the available evidence is currently insufficient to determine the role of this variant in disease. Therefore, it has been classified as a Variant of Uncertain Significance.

GeneDx
Classification: Uncertain significance. Last evaluated: 2020-03-19. Review status: criteria provided, single submitter. Criteria: GeneDx Variant Classification Process June 2021. Collection method: clinical testing. Allele origin: germline. Affected: yes.
Comment: Missense variants in this gene are often considered pathogenic (Stenson et al., 2014); In silico analysis supports that this missense variant has a deleterious effect on protein structure/function; Has not been previously published as pathogenic or benign to our knowledge

Natera, Inc.
Classification: Uncertain significance for Pontocerebellar hypoplasia, type 1a. Last evaluated: 2020-11-23. Review status: no assertion criteria provided. Collection method: clinical testing. Allele origin: germline. Not counted in ClinVar's aggregate classification.